The following is an entry in ClinVar:

ClinVar aggregate classification (germline): Uncertain significance (1 of 4 stars; one submission).

Submission:

Labcorp Genetics (formerly Invitae), Labcorp
Classification: Uncertain significance. Last evaluated: 2023-11-08. Review status: criteria provided, single submitter. Criteria: Invitae Variant Classification Sherloc (09022015). Collection method: clinical testing. Allele origin: germline.
Comment: This sequence change replaces threonine, which is neutral and polar, with proline, which is neutral and non-polar, at codon 286 of the NEFH protein (p.Thr286Pro). This variant is not present in population databases (gnomAD no frequency). This variant has not been reported in the literature in individuals affected with NEFH-related conditions. Advanced modeling of protein sequence and biophysical properties (such as structural, functional, and spatial information, amino acid conservation, physicochemical variation, residue mobility, and thermodynamic stability) performed at Invitae indicates that this missense variant is not expected to disrupt NEFH protein function with a negative predictive value of 95%. In summary, the available evidence is currently insufficient to determine the role of this variant in disease. Therefore, it has been classified as a Variant of Uncertain Significance.

NM_021076.4(NEFH):c.856A>C (p.Thr286Pro)

Gene: NEFH (neurofilament heavy chain; plus strand). Cytogenetic location: 22q12.2.
Variant type: single nucleotide variant.
Coding change: c.856A>C on transcript NM_021076.4 (MANE Select); coding-DNA position 856, A replaced by C.
Protein change: p.Thr286Pro; replaces threonine 286 with proline.
Molecular consequence: missense variant.
Genome position (GRCh38, 1-based): chr22:29,481,118, A>C. VCF-style: chr22-29481118-A-C. GRCh37 (hg19) VCF-style: chr22-29877107-A-C.
Other names: short protein forms T286P.
Identifiers: ClinVar variation 2798536 (VCV002798536.3), dbSNP rs770443491, ClinGen allele CA411124249.
Genomic context (GRCh38, chr22:29,481,118, plus strand): 5'-GACGTGACGTCGGCGCTGCGCGAGATTCGCGCGCAGCTTGAAGGCCACGCGGTGCAGAGC[A>C]CGCTGCAGTCCGAGGAGTGGTTCCGAGGTACGCAGGCGCGCGGGTGGGGGGAGGGGCGCC-3'
Protein context (NP_066554.2, residues 276-296): AQLEGHAVQS[Thr286Pro]LQSEEWFRVR